The following is an entry in ClinVar:

NM_181507.2(HPS5):c.1295G>C (p.Ser432Thr)

Gene: HPS5 (HPS5 biogenesis of lysosomal organelles complex 2 subunit 2; minus strand). Cytogenetic location: 11p15.1.
Variant type: single nucleotide variant.
Coding change: c.1295G>C on transcript NM_181507.2 (MANE Select); coding-DNA position 1295, G replaced by C.
Protein change: p.Ser432Thr; replaces serine 432 with threonine.
Molecular consequence: missense variant.
Genome position (GRCh38, 1-based): chr11:18,297,587, C>G on the plus strand (G>C on the coding strand, the complement: HPS5 is on the minus strand). VCF-style: chr11-18297587-C-G. GRCh37 (hg19) VCF-style: chr11-18319134-C-G.
Other names: c.953G>C, p.Ser318Thr (NM_007216.4, NM_181508.2); short protein forms S318T, S432T.
Identifiers: ClinVar variation 1720589 (VCV001720589.6), dbSNP rs2494763071, ClinGen allele CA379496857.
Genomic context (GRCh38, chr11:18,297,587, plus strand): 5'-CTACAAAATCCTTTAAAGGTGAGAATACTTACATGTGATGAAATGGAGCTTCTTCTACTG[C>G]TACAAGCTGAATCCAAAGGTTCAAATTTTAAGATCAATTCTTCCAGTTGAGAAATTAGAT-3'
Protein context (NP_852608.1, residues 422-442): LKFEPLDSAC[Ser432Thr]SRRSSISSHE

ClinVar aggregate classification (germline): Uncertain significance (1 of 4 stars; one submission).

Submission:

Labcorp Genetics (formerly Invitae), Labcorp
Classification: Uncertain significance. Last evaluated: 2022-09-01. Review status: criteria provided, single submitter. Criteria: Invitae Variant Classification Sherloc (09022015). Collection method: clinical testing. Allele origin: germline.
Comment: In summary, the available evidence is currently insufficient to determine the role of this variant in disease. Therefore, it has been classified as a Variant of Uncertain Significance. Algorithms developed to predict the effect of missense changes on protein structure and function are either unavailable or do not agree on the potential impact of this missense change (SIFT: "Tolerated"; PolyPhen-2: "Probably Damaging"; Align-GVGD: "Class C0"). This variant has not been reported in the literature in individuals affected with HPS5-related conditions. This variant is not present in population databases (gnomAD no frequency). This sequence change replaces serine, which is neutral and polar, with threonine, which is neutral and polar, at codon 432 of the HPS5 protein (p.Ser432Thr).